The following is an entry in ClinVar:

ClinVar aggregate classification (germline): Uncertain significance (1 of 4 stars; one submission).

gnomAD v4.1: 5 of 1,611,892 alleles (0.00031%); highest among the groups gnomAD compares: Middle Eastern, 0.049%; 1 homozygote.

Submission:

Labcorp Genetics (formerly Invitae), Labcorp
Classification: Uncertain significance. Last evaluated: 2024-11-27. Review status: criteria provided, single submitter. Criteria: Invitae Variant Classification Sherloc (09022015). Collection method: clinical testing. Allele origin: germline.
Comment: This sequence change replaces glutamic acid, which is acidic and polar, with lysine, which is basic and polar, at codon 538 of the IL6ST protein (p.Glu538Lys). This variant is not present in population databases (gnomAD no frequency). This variant has not been reported in the literature in individuals affected with IL6ST-related conditions. An algorithm developed to predict the effect of missense changes on protein structure and function (PolyPhen-2) suggests that this variant is likely to be tolerated. In summary, the available evidence is currently insufficient to determine the role of this variant in disease. Therefore, it has been classified as a Variant of Uncertain Significance.

NM_002184.4(IL6ST):c.1612G>A (p.Glu538Lys)

Gene: IL6ST (interleukin 6 cytokine family signal transducer; minus strand). Cytogenetic location: 5q11.2.
Variant type: single nucleotide variant.
Coding change: c.1612G>A on transcript NM_002184.4 (MANE Select); coding-DNA position 1612, G replaced by A.
Protein change: p.Glu538Lys; replaces glutamic acid 538 with lysine.
Molecular consequence: missense variant. On other transcripts: 3 prime UTR variant (1), non-coding transcript variant (2).
Genome position (GRCh38, 1-based): chr5:55,952,016, C>T on the plus strand (G>A on the coding strand, the complement: IL6ST is on the minus strand). VCF-style: chr5-55952016-C-T. GRCh37 (hg19) VCF-style: chr5-55247844-C-T.
Other names: c.1429G>A, p.Glu477Lys (NM_001190981.2); c.1510G>A, p.Glu504Lys (NM_001364275.2); c.1402G>A, p.Glu468Lys (NM_001364276.2); c.745G>A, p.Glu249Lys (NM_001364277.2); c.709G>A, p.Glu237Lys (NM_001364278.2); c.616G>A, p.Glu206Lys (NM_001364279.2); c.*539G>A (NM_175767.3); short protein forms E206K, E237K, E249K, E468K, E477K, E504K, E538K.
Identifiers: ClinVar variation 3612387 (VCV003612387.2).